The following is an entry in ClinVar:

ClinVar aggregate classification (germline): Likely benign. Review status: criteria provided, multiple submitters, no conflicts (2 of 4 stars). 2 submissions from 2 submitters: Likely benign (2). Last evaluated 2024-11-22.

Conditions:
TNC-related disorder. Also called: TNC-related condition.

gnomAD v4.1: 198 of 1,614,142 alleles (0.012%); highest among the groups gnomAD compares: African/African-American, 0.23%; no homozygotes.

Submissions (2):

PreventionGenetics, part of Exact Sciences
Classification: Likely benign for TNC-related condition. Last evaluated: 2024-11-22. Review status: criteria provided, single submitter. Criteria: ACMG Guidelines, 2015. Collection method: clinical testing. Allele origin: germline.
Comment: This variant is classified as likely benign based on ACMG/AMP sequence variant interpretation guidelines (Richards et al. 2015 PMID: 25741868, with internal and published modifications).

Blueprint Genetics
Classification: Likely benign. Last evaluated: 2024-03-21. Review status: criteria provided, single submitter. Criteria: ACMG Guidelines, 2015. Collection method: clinical testing. Allele origin: germline.

NM_002160.4(TNC):c.3857T>C (p.Phe1286Ser)

Gene: TNC (tenascin C; minus strand). Cytogenetic location: 9q33.1.
Variant type: single nucleotide variant.
Coding change: c.3857T>C on transcript NM_002160.4 (MANE Select); coding-DNA position 3857, T replaced by C.
Protein change: p.Phe1286Ser; replaces phenylalanine 1286 with serine.
Molecular consequence: missense variant. On other transcripts: intron variant (21).
Genome position (GRCh38, 1-based): chr9:115,063,093, A>G on the plus strand (T>C on the coding strand, the complement: TNC is on the minus strand). VCF-style: chr9-115063093-A-G. GRCh37 (hg19) VCF-style: chr9-117825372-A-G.
Other names: c.3857T>C (NM_002160.3); c.3857T>C, p.Phe1286Ser (NM_001439076.1, NM_001439077.1, NM_001439078.1 and 14 more transcripts); c.3214+10510T>C (NM_001439099.1, NM_001439096.1, NM_001439100.1 and 1 more transcripts); c.3215-5668T>C (NM_001439098.1, NM_001439094.1, NM_001439090.1); c.3487+1554T>C (NM_001439097.1); c.3760+703T>C (NM_001439093.1, NM_001439087.1, NM_001439083.1 and 10 more transcripts); short protein forms F1286S.
Identifiers: ClinVar variation 4904275 (VCV004904275.2).
Genomic context (GRCh38, chr9:115,063,093, plus strand): 5'-CCAGGAACCGTGAGATTGTGAGCCTCTTCCACCTGGTCAGCCTCCTGGACCTGAATAGTA[A>G]ACTGGTCATAGGTTCCATCTGGCGTGGTCCAGTTCAGTCTGAGAGCATCCCAGCTAACCT-3'
Protein context (NP_002151.2, residues 1276-1296): WTTPDGTYDQ[Phe1286Ser]TIQVQEADQV